The following is an entry in ClinVar:

NM_000540.3(RYR1):c.2525G>T (p.Ser842Ile)

Gene: RYR1 (ryanodine receptor 1; plus strand). Cytogenetic location: 19q13.2.
Variant type: single nucleotide variant.
Coding change: c.2525G>T on transcript NM_000540.3 (MANE Select); coding-DNA position 2525, G replaced by T.
Protein change: p.Ser842Ile; replaces serine 842 with isoleucine.
Molecular consequence: missense variant.
Genome position (GRCh38, 1-based): chr19:38,460,539, G>T. VCF-style: chr19-38460539-G-T. GRCh37 (hg19) VCF-style: chr19-38951179-G-T.
Other names: c.2525G>T, p.Ser842Ile (NM_001042723.2); short protein forms S842I.
Identifiers: ClinVar variation 2717522 (VCV002717522.7), dbSNP rs767287979, ClinGen allele CA063380.

ClinVar aggregate classification (germline): Uncertain significance. Review status: criteria provided, multiple submitters, no conflicts (2 of 4 stars). 4 submissions from 4 submitters: Uncertain significance (4). Last evaluated 2026-07-07.

Conditions:
Malignant hyperthermia, susceptibility to, 1 (MHS1). Also called: Malignant hyperthermia suceptibility 1; Anesthesia related hyperthermia; Malignant hyperpyrexia; Fulminating hyperpyrexia; Pharmacogenic myopathy; RYR1-Related Malignant Hyperthermia Susceptibility. Identifiers: Orphanet 423, MedGen C2930980, MONDO:0007783, OMIM 145600.
Inborn genetic diseases. Identifiers: MedGen C0950123, MeSH D030342.
RYR1-related disorder. Also called: RYR1-related condition; RYR1-related disorders. Identifiers: MedGen CN239331.

Allele frequency attached by ClinVar (database versions not stated): TOPMed below 0.00001; ExAC 0.00001; gnomAD 0.00001.
gnomAD v4.1: 8 of 1,613,882 alleles (0.0005%); highest among the groups gnomAD compares: Non-Finnish European, 0.00068%; no homozygotes.

Submissions (4):

Ambry Genetics
Classification: Uncertain significance for Inborn genetic diseases. Last evaluated: 2026-07-07. Review status: criteria provided, single submitter. Criteria: Ambry Variant Classification Scheme 2023. Collection method: clinical testing. Allele origin: germline.
Comment: The p.S842I variant (also known as c.2525G>T), located in coding exon 20 of the RYR1 gene, results from a G to T substitution at nucleotide position 2525. The serine at codon 842 is replaced by isoleucine, an amino acid with dissimilar properties. This amino acid position is conserved. In addition, the in silico prediction for this alteration is inconclusive. Based on the available evidence, the clinical significance of this variant remains unclear.

Color Diagnostics, LLC DBA Color Health
Classification: Uncertain significance for Malignant hyperthermia, susceptibility to, 1. Last evaluated: 2025-06-23. Review status: criteria provided, single submitter. Criteria: ACMG Guidelines, 2015. Collection method: clinical testing. Allele origin: germline.
Comment: This missense variant replaces serine with isoleucine at codon 842 of the RYR1 protein. Computational prediction is inconclusive regarding the impact of this variant on protein structure and function. To our knowledge, functional studies have not been reported for this variant. This variant has not been reported in individuals affected with RYR1-related disorders in the literature. This variant has been identified in 2/282494 chromosomes in the general population by the Genome Aggregation Database (gnomAD). The available evidence is insufficient to determine the role of this variant in disease conclusively. Therefore, this variant is classified as a Variant of Uncertain Significance.

All of Us Research Program, National Institutes of Health
Classification: Uncertain significance for Malignant hyperthermia, susceptibility to, 1. Last evaluated: 2023-05-16. Review status: criteria provided, single submitter. Criteria: ACMG Guidelines, 2015. Collection method: clinical testing. Allele origin: germline. Inheritance: Autosomal dominant inheritance. Observed: 1 variant allele, 1 heterozygote.
Comment: This missense variant replaces serine with isoleucine at codon 842 of the RYR1 protein. Computational prediction is inconclusive regarding the impact of this variant on protein structure and function (internally defined REVEL score threshold 0.5 < inconclusive < 0.7, PMID: 27666373). To our knowledge, functional studies have not been reported for this variant. This variant has not been reported in individuals affected with RYR1-related disorders in the literature. This variant has been identified in 2/282494 chromosomes in the general population by the Genome Aggregation Database (gnomAD). The available evidence is insufficient to determine the role of this variant in disease conclusively. Therefore, this variant is classified as a Variant of Uncertain Significance.

This study involves interpretation of variants in research participants for the purpose of population health screening. Participant phenotype was not available at the time of variant classification. Additional details can be found in publication PMID: 35346344, PMCID: PMC8962531

Labcorp Genetics (formerly Invitae), Labcorp
Classification: Uncertain significance for RYR1-related disorder. Last evaluated: 2022-11-07. Review status: criteria provided, single submitter. Criteria: Invitae Variant Classification Sherloc (09022015). Collection method: clinical testing. Allele origin: germline.
Comment: This variant has not been reported in the literature in individuals affected with RYR1-related conditions. In summary, the available evidence is currently insufficient to determine the role of this variant in disease. Therefore, it has been classified as a Variant of Uncertain Significance. Advanced modeling of protein sequence and biophysical properties (such as structural, functional, and spatial information, amino acid conservation, physicochemical variation, residue mobility, and thermodynamic stability) performed at Invitae indicates that this missense variant is not expected to disrupt RYR1 protein function. This variant is present in population databases (rs767287979, gnomAD 0.007%). This sequence change replaces serine, which is neutral and polar, with isoleucine, which is neutral and non-polar, at codon 842 of the RYR1 protein (p.Ser842Ile).